The following is an entry in ClinVar:

NM_001165963.4(SCN1A):c.5869G>C (p.Glu1957Gln)

Genes: SCN1A (sodium voltage-gated channel alpha subunit 1; minus strand), LOC102724058 (uncharacterized LOC102724058; plus strand). Cytogenetic location: 2q24.3.
Variant type: single nucleotide variant.
Coding change: c.5869G>C on transcript NM_001165963.4 (MANE Select); coding-DNA position 5869, G replaced by C.
Protein change: p.Glu1957Gln; replaces glutamic acid 1957 with glutamine.
Molecular consequence: missense variant. On other transcripts: non-coding transcript variant (1).
Genome position (GRCh38, 1-based): chr2:165,991,406, C>G on the plus strand (G>C on the coding strand, the complement: SCN1A is on the minus strand). VCF-style: chr2-165991406-C-G. GRCh37 (hg19) VCF-style: chr2-166847916-C-G.
Other names: c.5785G>C, p.Glu1929Gln (NM_001165964.3, NM_001353957.2, NM_001353958.2); c.5869G>C, p.Glu1957Gln (NM_001202435.3, NM_001353948.2); c.5836G>C, p.Glu1946Gln (NM_001353949.2, NM_001353950.2, NM_001353951.2 and 2 more transcripts); c.5833G>C, p.Glu1945Gln (NM_001353954.2, NM_001353955.2); c.5782G>C, p.Glu1928Gln (NM_001353960.2); c.3427G>C, p.Glu1143Gln (NM_001353961.2); short protein forms E1143Q, E1928Q, E1929Q, E1957Q, E1945Q, E1946Q.
Identifiers: ClinVar variation 971809 (VCV000971809.10), dbSNP rs1553519769, ClinGen allele CA349063410.

ClinVar aggregate classification (germline): Uncertain significance. Review status: criteria provided, multiple submitters, no conflicts (2 of 4 stars). 2 submissions from 2 submitters: Uncertain significance (2). Last evaluated 2023-08-17.

Conditions:
Early-infantile DEE. Also called: Early infantile epileptic encephalopathy; Early infantile epileptic encephalopathy with suppression bursts; Ohtahara syndrome. Identifiers: Orphanet 1934, MedGen C0393706, MONDO:0800491.

Allele frequency attached by ClinVar (database versions not stated): gnomAD 0.00001.
gnomAD v4.1: 1 of 1,613,628 alleles (0.000062%); highest among the groups gnomAD compares: African/African-American, 0.0013%; no homozygotes.

Submissions (2):

Labcorp Genetics (formerly Invitae), Labcorp
Classification: Uncertain significance for Early-infantile DEE. Last evaluated: 2023-08-17. Review status: criteria provided, single submitter. Criteria: Invitae Variant Classification Sherloc (09022015). Collection method: clinical testing. Allele origin: germline.
Comment: This variant has not been reported in the literature in individuals affected with SCN1A-related conditions. ClinVar contains an entry for this variant (Variation ID: 971809). Advanced modeling of protein sequence and biophysical properties (such as structural, functional, and spatial information, amino acid conservation, physicochemical variation, residue mobility, and thermodynamic stability) performed at Invitae indicates that this missense variant is not expected to disrupt SCN1A protein function. In summary, the available evidence is currently insufficient to determine the role of this variant in disease. Therefore, it has been classified as a Variant of Uncertain Significance. This sequence change replaces glutamic acid, which is acidic and polar, with glutamine, which is neutral and polar, at codon 1957 of the SCN1A protein (p.Glu1957Gln). This variant is not present in population databases (gnomAD no frequency).

Blueprint Genetics
Classification: Uncertain significance. Last evaluated: 2023-01-26. Review status: criteria provided, single submitter. Criteria: ACMG Guidelines, 2015. Collection method: clinical testing. Allele origin: germline.